The following is an entry in ClinVar:

ClinVar aggregate classification (germline): Uncertain significance (1 of 4 stars; one submission).

Submission:

GeneDx
Classification: Uncertain significance. Last evaluated: 2025-05-29. Review status: criteria provided, single submitter. Criteria: GeneDx Variant Classification Process June 2021. Collection method: clinical testing. Allele origin: germline. Affected: yes.
Comment: Not observed at significant frequency in large population cohorts (gnomAD); In silico analysis supports that this missense variant has a deleterious effect on protein structure/function; Has not been previously published as pathogenic or benign to our knowledge

NM_001130021.3(ATP6V0A1):c.2260G>T (p.Val754Leu)

Genes: ATP6V0A1 (ATPase H+ transporting V0 subunit a1; plus strand), MIR5010 (microRNA 5010; plus strand). Cytogenetic location: 17q21.2.
Variant type: single nucleotide variant.
Coding change: c.2260G>T on transcript NM_001130021.3 (MANE Select); coding-DNA position 2260, G replaced by T.
Protein change: p.Val754Leu; replaces valine 754 with leucine.
Molecular consequence: missense variant. On other transcripts: non-coding transcript variant (1), intron variant (7).
Genome position (GRCh38, 1-based): chr17:42,514,300, G>T. VCF-style: chr17-42514300-G-T. GRCh37 (hg19) VCF-style: chr17-40666318-G-T.
Other names: c.2263G>T, p.Val755Leu (NM_001130020.3); c.2281G>T, p.Val761Leu (NM_001378522.1); c.2155G>T, p.Val719Leu (NM_001378523.1); c.2458G>T, p.Val820Leu (NM_001378530.1); c.2404G>T, p.Val802Leu (NM_001378531.1); c.2047G>T, p.Val683Leu (NM_001378546.1); c.2029G>T, p.Val677Leu (NM_001378547.1); c.2014G>T, p.Val672Leu (NM_001378548.1); and 20 more; short protein forms V672L, V677L, V678L, V683L, V684L, V694L, V695L, V705L.
Identifiers: ClinVar variation 4532506 (VCV004532506.1).